The following is an entry in ClinVar:

NM_000168.6(GLI3):c.151C>T (p.His51Tyr)

Gene: GLI3 (GLI family zinc finger 3; minus strand). Cytogenetic location: 7p14.1.
Variant type: single nucleotide variant.
Coding change: c.151C>T on transcript NM_000168.6 (MANE Select); coding-DNA position 151, C replaced by T.
Protein change: p.His51Tyr; replaces histidine 51 with tyrosine.
Molecular consequence: missense variant.
Genome position (GRCh38, 1-based): chr7:42,148,442, G>A on the plus strand (C>T on the coding strand, the complement: GLI3 is on the minus strand). VCF-style: chr7-42148442-G-A. GRCh37 (hg19) VCF-style: chr7-42188041-G-A.
Other names: short protein forms H51Y.
Identifiers: ClinVar variation 2502746 (VCV002502746.1), dbSNP rs199504215, ClinGen allele CA157278615.

ClinVar aggregate classification (germline): Uncertain significance (1 of 4 stars; one submission).

Allele frequency attached by ClinVar (database versions not stated): gnomAD exomes below 0.00001.
gnomAD v4.1: 1 of 1,613,802 alleles (0.000062%); highest among the groups gnomAD compares: Non-Finnish European, 0.000085%; no homozygotes.

Submission:

GeneDx
Classification: Uncertain significance. Last evaluated: 2022-11-18. Review status: criteria provided, single submitter. Criteria: GeneDx Variant Classification Process June 2021. Collection method: clinical testing. Allele origin: germline. Affected: yes.
Comment: Not observed at significant frequency in large population cohorts (gnomAD); In silico analysis supports that this missense variant does not alter protein structure/function; Has not been previously published as pathogenic or benign to our knowledge